The following is an entry in ClinVar:

ClinVar aggregate classification (germline): Uncertain significance. Review status: criteria provided, multiple submitters, no conflicts (2 of 4 stars). 2 submissions from 2 submitters: Uncertain significance (2). Last evaluated 2022-03-24.

Conditions:
Hereditary cancer-predisposing syndrome. Also called: Neoplastic Syndromes, Hereditary; Tumor predisposition; Hereditary Cancer Syndrome; Hereditary neoplastic syndrome. Identifiers: Orphanet 140162, MedGen C0027672, MeSH D009386, MONDO:0015356.
Familial cancer of breast. Also called: BREAST CANCER, FAMILIAL; Hereditary breast cancer; hereditary breast carcinoma. Identifiers: Orphanet 227535, MedGen C0346153, MONDO:0016419, OMIM 114480. Disease mechanism: loss of function.

gnomAD v4.1: 3 of 1,613,004 alleles (0.00019%); highest among the groups gnomAD compares: Non-Finnish European, 0.00025%; no homozygotes.

Submissions (2):

Ambry Genetics
Classification: Uncertain significance for Hereditary cancer-predisposing syndrome. Last evaluated: 2022-03-24. Review status: criteria provided, single submitter. Criteria: Ambry Variant Classification Scheme 2023. Collection method: clinical testing. Allele origin: germline.
Comment: The p.L1125M variant (also known as c.3373T>A), located in coding exon 22 of the ATM gene, results from a T to A substitution at nucleotide position 3373. The leucine at codon 1125 is replaced by methionine, an amino acid with highly similar properties. This amino acid position is not well conserved in available vertebrate species. In addition, this alteration is predicted to be tolerated by in silico analysis. Since supporting evidence is limited at this time, the clinical significance of this alteration remains unclear.

Department of Pathology and Laboratory Medicine, Sinai Health System
Classification: Uncertain significance for Familial cancer of breast. Last evaluated: 2021-08-13. Review status: criteria provided, single submitter. Criteria: ACMG Guidelines, 2015. Collection method: clinical testing. Allele origin: germline. Affected: yes.

NM_000051.4(ATM):c.3373T>A (p.Leu1125Met)

Gene: ATM (ATM serine/threonine kinase; plus strand). Cytogenetic location: 11q22.3.
Variant type: single nucleotide variant.
Coding change: c.3373T>A on transcript NM_000051.4 (MANE Select); coding-DNA position 3373, T replaced by A.
Protein change: p.Leu1125Met; replaces leucine 1125 with methionine.
Molecular consequence: missense variant.
Genome position (GRCh38, 1-based): chr11:108,279,579, T>A. VCF-style: chr11-108279579-T-A. GRCh37 (hg19) VCF-style: chr11-108150306-T-A.
Other names: c.3373T>A, p.Leu1125Met (NM_001351834.2); short protein forms L1125M.
Identifiers: ClinVar variation 1730757 (VCV001730757.3), dbSNP rs775277598, ClinGen allele CA382517707.
Genomic context (GRCh38, chr11:108,279,579, plus strand): 5'-TCCAGGTTACTGAAAGCACTTCCTTTGAAGCTTCAGCAAACAGCTTTTGAAAATGCATAC[T>A]TGAAAGCTCAGGAAGGAATGAGAGAAATGGTAATTTTAAGTAACATGTATTTGCTGTTAT-3'
Protein context (NP_000042.3, residues 1115-1135): LQQTAFENAY[Leu1125Met]KAQEGMREMS